The following is an entry in ClinVar:

NC_000012.11:g.(?_22089457)_(22089618_?)del

Gene: ABCC9 (ATP binding cassette subfamily C member 9; minus strand). Cytogenetic location: 12p12.1.
Variant type: Deletion.
Identifiers: ClinVar variation 1064199 (VCV001064199.6).

ClinVar aggregate classification (germline): Uncertain significance (1 of 4 stars; one submission).

Conditions:
Dilated cardiomyopathy 1O (CMD1O). Also called: CARDIOMYOPATHY, DILATED, WITH VENTRICULAR TACHYCARDIA. Identifiers: Orphanet 154, MedGen C1837839, MONDO:0012062, OMIM 608569.

Submission:

Labcorp Genetics (formerly Invitae), Labcorp
Classification: Uncertain significance for Dilated cardiomyopathy 1O. Last evaluated: 2022-07-19. Review status: criteria provided, single submitter. Criteria: Invitae Variant Classification Sherloc (09022015). Collection method: clinical testing. Allele origin: germline.
Comment: In summary, the available evidence is currently insufficient to determine the role of this variant in disease. Therefore, it has been classified as a Variant of Uncertain Significance. This variant has not been reported in the literature in individuals affected with ABCC9-related conditions. This variant is a gross deletion of the genomic region encompassing exon(s) 1 of the ABCC9 gene, which includes the initiator codon. This deletion extends beyond the assayed region for this gene and therefore may encompass additional genes. It is expected to result in an absent or disrupted protein product. However, the current clinical and genetic evidence is not sufficient to establish whether loss-of-function variants in ABCC9 cause disease.